The following is an entry in ClinVar:

NM_001366385.1(CARD14):c.376G>C (p.Glu126Gln)

Gene: CARD14 (caspase recruitment domain family member 14; plus strand). Cytogenetic location: 17q25.3.
Variant type: single nucleotide variant.
Coding change: c.376G>C on transcript NM_001366385.1 (MANE Select); coding-DNA position 376, G replaced by C.
Protein change: p.Glu126Gln; replaces glutamic acid 126 with glutamine.
Molecular consequence: missense variant. On other transcripts: non-coding transcript variant (1).
Genome position (GRCh38, 1-based): chr17:80,183,939, G>C. VCF-style: chr17-80183939-G-C. GRCh37 (hg19) VCF-style: chr17-78157738-G-C.
Other names: c.376G>C, p.Glu126Gln (NM_001257970.1, NM_024110.4); short protein forms E126Q.
Identifiers: ClinVar variation 1393957 (VCV001393957.6), dbSNP rs377568726, ClinGen allele CA294858018.
Genomic context (GRCh38, chr17:80,183,939, plus strand): 5'-CTGCTCACTTGCTCACCTGCCCATCTGCCCACAGGTCTCATGGAGACATCCAAGCTGACC[G>C]AGTGCCTGGCTGGGGCCATCGGCAGCCTGCAGGAGGAGCTGAACCAGGAAAAGGGGCAGA-3'
Protein context (NP_001353314.1, residues 116-136): SGLMETSKLT[Glu126Gln]CLAGAIGSLQ

ClinVar aggregate classification (germline): Uncertain significance (1 of 4 stars; one submission).

Conditions:
Pityriasis rubra pilaris (PRP). Also called: Pityriasis rubra pilaris--familial type. Identifiers: Orphanet 2897, MedGen C0032027, MONDO:0100017, OMIM 173200, MONDO:0008251.
Psoriasis 2. Identifiers: MedGen C1864497, MONDO:0011269, OMIM 602723.

gnomAD v4.1: 2 of 1,529,644 alleles (0.00013%); highest among the groups gnomAD compares: Non-Finnish European, 0.00018%; no homozygotes.

Submission:

Labcorp Genetics (formerly Invitae), Labcorp
Classification: Uncertain significance for Pityriasis rubra pilaris; Psoriasis 2. Last evaluated: 2022-12-15. Review status: criteria provided, single submitter. Criteria: Invitae Variant Classification Sherloc (09022015). Collection method: clinical testing. Allele origin: germline.
Comment: In summary, the available evidence is currently insufficient to determine the role of this variant in disease. Therefore, it has been classified as a Variant of Uncertain Significance. Advanced modeling of protein sequence and biophysical properties (such as structural, functional, and spatial information, amino acid conservation, physicochemical variation, residue mobility, and thermodynamic stability) performed at Invitae indicates that this missense variant is not expected to disrupt CARD14 protein function. ClinVar contains an entry for this variant (Variation ID: 1393957). This variant has not been reported in the literature in individuals affected with CARD14-related conditions. This variant is not present in population databases (gnomAD no frequency). This sequence change replaces glutamic acid, which is acidic and polar, with glutamine, which is neutral and polar, at codon 126 of the CARD14 protein (p.Glu126Gln).